The following is an entry in ClinVar:

ClinVar aggregate classification (germline): Pathogenic. Review status: criteria provided, multiple submitters, no conflicts (2 of 4 stars). 2 submissions from 2 submitters: Pathogenic (2). Last evaluated 2024-09-11.

Conditions:
Hypotonia, infantile, with psychomotor retardation and characteristic facies 3 (IHPRF3). Also called: TBCK-Related Neurodevelopmental Disorder. Identifiers: Orphanet 488632, MedGen C5567480, MONDO:0014823, OMIM 616900.

Submissions (2):

GeneDx
Classification: Pathogenic. Last evaluated: 2024-09-11. Review status: criteria provided, single submitter. Criteria: GeneDx Variant Classification Process June 2021. Collection method: clinical testing. Allele origin: germline. Affected: yes.
Comment: Observed in homozygous state in two siblings in the literature with developmental delay, hypotonia, and dysmorphic features and not observed in homozygous state in controls (PMID: 30103036); Nonsense variant predicted to result in protein truncation or nonsense mediated decay in a gene for which loss of function is a known mechanism of disease; Not observed at significant frequency in large population cohorts (gnomAD); This variant is associated with the following publications: (PMID: 30103036)

Revvity Omics, Revvity
Classification: Pathogenic for Hypotonia, infantile, with psychomotor retardation and characteristic facies 3. Last evaluated: 2019-11-07. Review status: criteria provided, single submitter. Criteria: ACMG Guidelines, 2015. Collection method: clinical testing. Allele origin: germline.

NM_001163435.3(TBCK):c.753dup (p.Lys252Ter)

Gene: TBCK (TBC1 domain containing kinase; minus strand). Cytogenetic location: 4q24.
Variant type: Duplication.
Coding change: c.753dup on transcript NM_001163435.3 (MANE Select); coding-DNA position 753, one base duplicated (T; older notation c.753dupT).
Protein change: p.Lys252Ter; replaces lysine 252 with a stop codon.
Molecular consequence: nonsense.
Genome position (GRCh38, 1-based): chr4:106,248,274, A duplicated on the plus strand (T on the coding strand, the reverse complement: TBCK is on the minus strand). VCF-style (leftmost placement, unchanged base first): chr4-106248273-T-TA. GRCh37 (hg19) VCF-style: chr4-107169430-T-TA.
Other names: c.753dup, p.Lys252Ter (NM_001163436.4); c.636dup, p.Lys213Ter (NM_001163437.3); c.237dup, p.Lys80Ter (NM_001290768.2); c.564dup, p.Lys189Ter (NM_033115.5); c.753dupT (NM_001163435.2); short protein forms K213*, K80*, K189*, K252*.
Identifiers: ClinVar variation 429339 (VCV000429339.9), dbSNP rs1131691329, ClinGen allele CA645369312.